The following is an entry in ClinVar:

NM_001368067.1(LDB3):c.810G>A (p.Trp270Ter)

Gene: LDB3 (LIM domain binding 3; plus strand). Cytogenetic location: 10q23.2.
Variant type: single nucleotide variant.
Coding change: c.810G>A on transcript NM_001368067.1 (MANE Plus Clinical); coding-DNA position 810, G replaced by A.
Protein change: p.Trp270Ter; replaces tryptophan 270 with a stop codon.
Molecular consequence: nonsense. On other transcripts: intron variant (6).
Genome position (GRCh38, 1-based): chr10:86,699,332, G>A. VCF-style: chr10-86699332-G-A. GRCh37 (hg19) VCF-style: chr10-88459089-G-A.
Other names: c.951G>A, p.Trp317Ter (NM_001080115.2, NM_001368063.1); c.810G>A, p.Trp270Ter (NM_001080116.1, NM_001368068.1); c.1155G>A, p.Trp385Ter (NM_001171611.2); c.896+6761G>A (NM_001368064.1, NM_007078.3, NM_001368065.1); c.1100+6761G>A (NM_001171610.2); c.755+6761G>A (NM_001368066.1, NM_001080114.2); short protein forms W270*, W317*, W385*.
Identifiers: ClinVar variation 1001715 (VCV001001715.7), dbSNP rs1428065968, ClinGen allele CA377445145.

ClinVar aggregate classification (germline): Uncertain significance (1 of 4 stars; one submission).

Conditions:
Myofibrillar myopathy 4. Also called: Zaspopathy (type). Identifiers: Orphanet 98912, MedGen C4721886, MONDO:0012277, OMIM 609452.

Allele frequency attached by ClinVar (database versions not stated): TOPMed 0.00002.
gnomAD v4.1: 2 of 1,613,606 alleles (0.00012%); highest among the groups gnomAD compares: Non-Finnish European, 0.00017%; no homozygotes.

Submission:

Labcorp Genetics (formerly Invitae), Labcorp
Classification: Uncertain significance for Myofibrillar myopathy 4. Last evaluated: 2020-08-06. Review status: criteria provided, single submitter. Criteria: Invitae Variant Classification Sherloc (09022015). Collection method: clinical testing. Allele origin: germline.
Comment: Experimental studies and prediction algorithms are not available or were not evaluated, and the functional significance of this variant is currently unknown. In summary, the available evidence is currently insufficient to determine the role of this variant in disease. Therefore, it has been classified as a Variant of Uncertain Significance. This sequence change results in a premature translational stop signal in the LDB3 gene (p.Trp270*). While this is not anticipated to result in nonsense mediated decay, it is expected to disrupt the last 14 amino acids of the LDB3 protein. This variant has not been reported in the literature in individuals with LDB3-related conditions. This variant is not present in population databases (ExAC no frequency).